The following is an entry in ClinVar:

NM_020745.4(AARS2):c.564C>T (p.Asp188=)

Gene: AARS2 (alanyl-tRNA synthetase 2, mitochondrial; minus strand). Cytogenetic location: 6p21.1.
Variant type: single nucleotide variant.
Coding change: c.564C>T on transcript NM_020745.4 (MANE Select); coding-DNA position 564, C replaced by T.
Protein change: p.Asp188=; no amino-acid change (aspartic acid 188 retained).
Molecular consequence: synonymous variant.
Genome position (GRCh38, 1-based): chr6:44,311,407, G>A on the plus strand (C>T on the coding strand, the complement: AARS2 is on the minus strand). VCF-style: chr6-44311407-G-A. GRCh37 (hg19) VCF-style: chr6-44279144-G-A.
Identifiers: ClinVar variation 3895180 (VCV003895180.1).

ClinVar aggregate classification (germline): Likely benign (1 of 4 stars; one submission).

gnomAD v4.1: 1 of 1,614,170 alleles (0.000062%); highest among the groups gnomAD compares: Non-Finnish European, 0.000085%; no homozygotes.

Submission:

Molecular Diagnostic Laboratory for Inherited Cardiovascular Disease, Montreal Heart Institute
Classification: Likely benign. Last evaluated: 2025-04-09. Review status: criteria provided, single submitter. Criteria: ACMG Guidelines, 2015. Collection method: clinical testing. Allele origin: germline. Affected: no.
Comment: BP7